The following is an entry in ClinVar:

ClinVar aggregate classification (germline): Pathogenic (1 of 4 stars; one submission).

Conditions:
Myopathy caused by variation in FKTN. Identifiers: MedGen CN305638, MONDO:0700067.

Submission:

Myriad Genetics, Inc.
Classification: Pathogenic for Myopathy caused by variation in FKTN. Last evaluated: 2023-09-27. Review status: criteria provided, single submitter. Criteria: Myriad Autosomal Dominant, Autosomal Recessive and X-Linked Classification Criteria (2023). Collection method: clinical testing. Allele origin: unknown.
Comment: NM_001079802.1(FKTN):c.378dupG(F127Vfs*5) is expected to be pathogenic in the context of FKTN-related disorders. This variant is predicted to lead to an abnormal or absent protein product due to the creation of a premature termination codon in FKTN, a gene where loss-of-function variants are known to be pathogenic. Please note: this variant was assessed in the context of healthy population screening.

NM_001079802.2(FKTN):c.378dup (p.Phe127fs)

Gene: FKTN (fukutin; plus strand). Cytogenetic location: 9q31.2.
Variant type: Duplication.
Coding change: c.378dup on transcript NM_001079802.2 (MANE Select); coding-DNA position 378, one base duplicated (G; older notation c.378dupG).
Protein change: p.Phe127fs; shifts the reading frame from phenylalanine 127.
Molecular consequence: frameshift variant. On other transcripts: 5 prime UTR variant (4), non-coding transcript variant (2).
Genome position (GRCh38, 1-based): chr9:105,604,223, G duplicated; the last of 2 consecutive G bases (chr9:105,604,222-105,604,223); duplicating either gives the same sequence. VCF-style (leftmost placement, unchanged base first): chr9-105604221-T-TG. GRCh37 (hg19) VCF-style: chr9-108366502-T-TG.
Other names: c.378dup, p.Phe127fs (NM_001198963.2, NM_001351496.2, NM_001351498.2 and 1 more transcripts); c.309dup, p.Phe104fs (NM_001351497.2); c.-19dup (NM_001351499.2, NM_001351500.2, NM_001351501.2 and 1 more transcripts); short protein forms F104fs, F127fs.
Identifiers: ClinVar variation 5012289 (VCV005012289.1).